The following is an entry in ClinVar:

NM_001909.5(CTSD):c.969C>T (p.Gly323=)

Gene: CTSD (cathepsin D; minus strand). Cytogenetic location: 11p15.5.
Variant type: single nucleotide variant.
Coding change: c.969C>T on transcript NM_001909.5 (MANE Select); coding-DNA position 969, C replaced by T.
Protein change: p.Gly323=; no amino-acid change (glycine 323 retained).
Molecular consequence: synonymous variant.
Genome position (GRCh38, 1-based): chr11:1,753,997, G>A on the plus strand (C>T on the coding strand, the complement: CTSD is on the minus strand). VCF-style: chr11-1753997-G-A. GRCh37 (hg19) VCF-style: chr11-1775227-G-A.
Identifiers: ClinVar variation 1009383 (VCV001009383.4), dbSNP rs774332555, ClinGen allele CA5813986.

ClinVar aggregate classification (germline): Uncertain significance (1 of 4 stars; one submission).

Conditions:
Neuronal ceroid lipofuscinosis. Also called: Neuronal Ceroid Lipofuscinoses. Identifiers: Orphanet 216, Orphanet 79263, MedGen C0027877, MONDO:0016295. Disease mechanism: loss of function.

Allele frequency attached by ClinVar (database versions not stated): gnomAD exomes 0.00001 and 0.00003; TOPMed 0.00001; ExAC 0.00002; gnomAD 0.00003.

Submission:

Labcorp Genetics (formerly Invitae), Labcorp
Classification: Uncertain significance for Neuronal ceroid lipofuscinosis. Last evaluated: 2022-10-13. Review status: criteria provided, single submitter. Criteria: Invitae Variant Classification Sherloc (09022015). Collection method: clinical testing. Allele origin: germline.
Comment: This sequence change affects codon 323 of the CTSD mRNA. It is a 'silent' change, meaning that it does not change the encoded amino acid sequence of the CTSD protein. This variant is present in population databases (rs774332555, gnomAD 0.007%). This variant has not been reported in the literature in individuals affected with CTSD-related conditions. ClinVar contains an entry for this variant (Variation ID: 1009383). Algorithms developed to predict the effect of sequence changes on RNA splicing suggest that this variant may create or strengthen a splice site. In summary, the available evidence is currently insufficient to determine the role of this variant in disease. Therefore, it has been classified as a Variant of Uncertain Significance.